The following is an entry in ClinVar:

ClinVar aggregate classification (germline): Uncertain significance. Review status: criteria provided, multiple submitters, no conflicts (2 of 4 stars). 2 submissions from 2 submitters: Uncertain significance (2). Last evaluated 2023-04-05.

Conditions:
Familial thoracic aortic aneurysm and aortic dissection (TAAD). Also called: Thoracic aortic aneurysms and dissections. Identifiers: Orphanet 91387, MedGen C4707243, MONDO:0019625.

Allele frequency attached by ClinVar (database versions not stated): gnomAD exomes below 0.00001.

Submissions (2):

Revvity Omics, Revvity
Classification: Uncertain significance. Last evaluated: 2023-04-05. Review status: criteria provided, single submitter. Criteria: ACMG Guidelines, 2015. Collection method: clinical testing. Allele origin: germline.

Ambry Genetics
Classification: Uncertain significance for Familial thoracic aortic aneurysm and aortic dissection. Last evaluated: 2022-03-28. Review status: criteria provided, single submitter. Criteria: Ambry Variant Classification Scheme 2023. Collection method: clinical testing. Allele origin: germline.
Comment: The c.1129delC variant, located in coding exon 4 of the TGFBR2 gene, results from a deletion of one nucleotide at nucleotide position 1129, causing a translational frameshift with a predicted alternate stop codon (p.H377Tfs*11). This alteration is expected to result in premature protein truncation or nonsense-mediated mRNA decay. However, loss of function of TGFBR2 has not been clearly established as a mechanism of disease. Since supporting evidence is limited at this time, the clinical significance of this alteration remains unclear.

NM_003242.6(TGFBR2):c.1129del (p.His377fs)

Gene: TGFBR2 (transforming growth factor beta receptor 2; plus strand). Cytogenetic location: 3p24.1.
Variant type: Deletion.
Coding change: c.1129del on transcript NM_003242.6 (MANE Select); coding-DNA position 1129, one base deleted (C; older notation c.1129delC).
Protein change: p.His377fs; shifts the reading frame from histidine 377.
Molecular consequence: frameshift variant.
Genome position (GRCh38, 1-based): chr3:30,672,312, C deleted. VCF-style (leftmost placement, unchanged base first): chr3-30672311-GC-G. GRCh37 (hg19) VCF-style: chr3-30713803-GC-G.
Other names: c.1204delC, p.His402Thrfs (NM_001024847.3); c.1312delC, p.His438Thrfs (NM_001407126.1); c.1237delC, p.His413Thrfs (NM_001407127.1); c.1156delC, p.His386Thrfs (NM_001407128.1); c.1132delC, p.His378Thrfs (NM_001407129.1); c.1129delC, p.His377Thrfs (NM_001407130.1); c.1024delC, p.His342Thrfs (NM_001407132.1, NM_001407133.1, NM_001407134.1 and 2 more transcripts); c.844delC, p.His282Thrfs (NM_001407137.1); and 1 more; short protein forms H402fs, H377fs.
Identifiers: ClinVar variation 1727698 (VCV001727698.4), dbSNP rs2470563535, ClinGen allele CA2580069247.